The following is an entry in ClinVar:

ClinVar aggregate classification (germline): Uncertain significance. Review status: criteria provided, multiple submitters, no conflicts (2 of 4 stars). 2 submissions from 2 submitters: Uncertain significance (2). Last evaluated 2024-09-03.

Conditions:
Congenital myasthenic syndrome 8. Also called: MYASTHENIC SYNDROME, CONGENITAL, DUE TO AGRIN DEFICIENCY; Myasthenic syndrome, congenital, 8, with pre- and postsynaptic defects. Identifiers: Orphanet 590, MedGen C3808739, MONDO:0014052, OMIM 615120.

gnomAD v4.1: 3 of 1,611,858 alleles (0.00019%); highest among the groups gnomAD compares: Middle Eastern, 0.017%; no homozygotes.

Submissions (2):

Labcorp Genetics (formerly Invitae), Labcorp
Classification: Uncertain significance for Congenital myasthenic syndrome 8. Last evaluated: 2024-09-03. Review status: criteria provided, single submitter. Criteria: Invitae Variant Classification Sherloc (09022015). Collection method: clinical testing. Allele origin: germline.
Comment: This sequence change replaces histidine, which is basic and polar, with leucine, which is neutral and non-polar, at codon 798 of the AGRN protein (p.His798Leu). This variant is not present in population databases (gnomAD no frequency). This variant has not been reported in the literature in individuals affected with AGRN-related conditions. ClinVar contains an entry for this variant (Variation ID: 1029351). An algorithm developed to predict the effect of missense changes on protein structure and function (PolyPhen-2) suggests that this variant is likely to be disruptive. In summary, the available evidence is currently insufficient to determine the role of this variant in disease. Therefore, it has been classified as a Variant of Uncertain Significance.

Baylor Genetics
Classification: Uncertain significance for Congenital myasthenic syndrome 8. Last evaluated: 2019-08-08. Review status: criteria provided, single submitter. Criteria: ACMG Guidelines, 2015. Collection method: clinical testing. Allele origin: unknown. Affected: yes.
Comment: This variant was determined to be of uncertain significance according to ACMG Guidelines, 2015 [PMID:25741868].

NM_198576.4(AGRN):c.2393A>T (p.His798Leu)

Gene: AGRN (agrin; plus strand). Cytogenetic location: 1p36.33.
Variant type: single nucleotide variant.
Coding change: c.2393A>T on transcript NM_198576.4 (MANE Select); coding-DNA position 2393, A replaced by T.
Protein change: p.His798Leu; replaces histidine 798 with leucine.
Molecular consequence: missense variant.
Genome position (GRCh38, 1-based): chr1:1,045,380, A>T. VCF-style: chr1-1045380-A-T. GRCh37 (hg19) VCF-style: chr1-980760-A-T.
Other names: c.2393A>T, p.His798Leu (NM_001305275.2); c.2078A>T, p.His693Leu (NM_001364727.2); short protein forms H693L, H798L.
Identifiers: ClinVar variation 1029351 (VCV001029351.3), dbSNP rs1645061478, ClinGen allele CA337839115.